The following is an entry in ClinVar:

ClinVar aggregate classification (germline): Uncertain significance (1 of 4 stars; one submission).

Conditions:
Autosomal recessive polycystic kidney disease (ARPKD). Also called: AR polycystic kidney disease. Identifiers: Orphanet 731, Orphanet 8378, MedGen C0085548, MeSH D017044, MONDO:0009889.

Allele frequency attached by ClinVar (database versions not stated): TOPMed below 0.00001; ExAC 0.00001; gnomAD 0.00001; gnomAD exomes 0.00001.
gnomAD v4.1: 17 of 1,602,580 alleles (0.0011%); highest among the groups gnomAD compares: Non-Finnish European, 0.0014%; no homozygotes.

Submission:

Labcorp Genetics (formerly Invitae), Labcorp
Classification: Uncertain significance for Autosomal recessive polycystic kidney disease. Last evaluated: 2022-04-08. Review status: criteria provided, single submitter. Criteria: Invitae Variant Classification Sherloc (09022015). Collection method: clinical testing. Allele origin: germline.
Comment: This sequence change replaces leucine, which is neutral and non-polar, with valine, which is neutral and non-polar, at codon 14 of the PKHD1 protein (p.Leu14Val). This variant is present in population databases (rs776880990, gnomAD 0.005%). This variant has not been reported in the literature in individuals affected with PKHD1-related conditions. Advanced modeling of protein sequence and biophysical properties (such as structural, functional, and spatial information, amino acid conservation, physicochemical variation, residue mobility, and thermodynamic stability) performed at Invitae indicates that this missense variant is not expected to disrupt PKHD1 protein function. Algorithms developed to predict the effect of sequence changes on RNA splicing suggest that this variant may disrupt the consensus splice site. In summary, the available evidence is currently insufficient to determine the role of this variant in disease. Therefore, it has been classified as a Variant of Uncertain Significance.

NM_138694.4(PKHD1):c.40C>G (p.Leu14Val)

Gene: PKHD1 (PKHD1 ciliary IPT domain containing fibrocystin/polyductin; minus strand). Cytogenetic location: 6p12.2.
Variant type: single nucleotide variant.
Coding change: c.40C>G on transcript NM_138694.4 (MANE Select); coding-DNA position 40, C replaced by G.
Protein change: p.Leu14Val; replaces leucine 14 with valine.
Molecular consequence: missense variant.
Genome position (GRCh38, 1-based): chr6:52,084,894, G>C on the plus strand (C>G on the coding strand, the complement: PKHD1 is on the minus strand). VCF-style: chr6-52084894-G-C. GRCh37 (hg19) VCF-style: chr6-51949692-G-C.
Other names: c.40C>G, p.Leu14Val (NM_170724.3); short protein forms L14V.
Identifiers: ClinVar variation 1987317 (VCV001987317.1), dbSNP rs776880990, ClinGen allele CA3854073.